The following is an entry in ClinVar:

NM_139058.3(ARX):c.1333C>T (p.Pro445Ser)

Gene: ARX (aristaless related homeobox; minus strand). Cytogenetic location: Xp21.3.
Variant type: single nucleotide variant.
Coding change: c.1333C>T on transcript NM_139058.3 (MANE Select); coding-DNA position 1333, C replaced by T.
Protein change: p.Pro445Ser; replaces proline 445 with serine.
Molecular consequence: missense variant.
Genome position (GRCh38, 1-based): chrX:25,007,226, G>A on the plus strand (C>T on the coding strand, the complement: ARX is on the minus strand). VCF-style: chrX-25007226-G-A. GRCh37 (hg19) VCF-style: chrX-25025343-G-A.
Other names: short protein forms P445S.
Identifiers: ClinVar variation 1304515 (VCV001304515.5), dbSNP rs2147320407, ClinGen allele CA412611230.

ClinVar aggregate classification (germline): Conflicting classifications of pathogenicity. Review status: criteria provided, conflicting classifications (1 of 4 stars). 2 submissions from 2 submitters: Uncertain significance (1); Benign (1). Last evaluated 2023-10-03.

Conditions:
Developmental and epileptic encephalopathy, 1 (DEE1). Also called: X-linked infantile spasms; West's syndrome; Tonic spasms with clustering, arrest of psychomotor development and hypsarrhythmia on EEG; X-Linked Infantile Spasm Syndrome; Epileptic encephalopathy, early infantile, 1; INFANTILE SPASM SYNDROME, X-LINKED 1. Identifiers: MedGen C3463992, MONDO:0010632, OMIM 308350. Disease mechanism: loss of function.
Intellectual disability, X-linked, with or without seizures, ARX-related. Also called: INTELLECTUAL DEVELOPMENTAL DISORDER, X-LINKED 29; Mental retardation, X-linked 52; MENTAL RETARDATION, X-LINKED 29; MENTAL RETARDATION, X-LINKED 32; MENTAL RETARDATION, X-LINKED 33; MENTAL RETARDATION, X-LINKED 38. Identifiers: Orphanet 777, MedGen C0796244, MONDO:0010317, OMIM 300419.

Allele frequency attached by ClinVar (database versions not stated): gnomAD exomes below 0.00001.
gnomAD v4.1: 4 of 1,148,818 alleles (0.00035%); highest among the groups gnomAD compares: Non-Finnish European, 0.00023%; no homozygotes.

Submissions (2):

Labcorp Genetics (formerly Invitae), Labcorp
Classification: Benign for Developmental and epileptic encephalopathy, 1; Intellectual disability, X-linked, with or without seizures, ARX-related. Last evaluated: 2023-10-03. Review status: criteria provided, single submitter. Criteria: Invitae Variant Classification Sherloc (09022015). Collection method: clinical testing. Allele origin: germline.

GeneDx
Classification: Uncertain significance. Last evaluated: 2019-01-22. Review status: criteria provided, single submitter. Criteria: GeneDx Variant Classification Process June 2021. Collection method: clinical testing. Allele origin: germline. Affected: yes.
Comment: Not observed in large population cohorts (Lek et al., 2016); In silico analysis, which includes protein predictors and evolutionary conservation, supports a deleterious effect